The following is an entry in ClinVar:

NM_031310.3(PLVAP):c.233C>T (p.Thr78Met)

Gene: PLVAP (plasmalemma vesicle associated protein; minus strand). Cytogenetic location: 19p13.11.
Variant type: single nucleotide variant.
Coding change: c.233C>T on transcript NM_031310.3 (MANE Select); coding-DNA position 233, C replaced by T.
Protein change: p.Thr78Met; replaces threonine 78 with methionine.
Molecular consequence: missense variant.
Genome position (GRCh38, 1-based): chr19:17,377,056, G>A on the plus strand (C>T on the coding strand, the complement: PLVAP is on the minus strand). VCF-style: chr19-17377056-G-A. GRCh37 (hg19) VCF-style: chr19-17487865-G-A.
Other names: c.233C>T (NM_031310.1, NM_031310.2); short protein forms T78M.
Identifiers: ClinVar variation 2079647 (VCV002079647.3), dbSNP rs757659466, ClinGen allele CA9294112.

ClinVar aggregate classification (germline): Uncertain significance. Review status: criteria provided, multiple submitters, no conflicts (2 of 4 stars). 3 submissions from 3 submitters: Uncertain significance (3). Last evaluated 2023-11-15.

Conditions:
Inborn genetic diseases. Identifiers: MedGen C0950123, MeSH D030342.

Allele frequency attached by ClinVar (database versions not stated): gnomAD exomes 0.00001; ExAC 0.00002; gnomAD 0.00002; TOPMed 0.00005.
gnomAD v4.1: 21 of 1,614,024 alleles (0.0013%); highest among the groups gnomAD compares: Admixed American, 0.012%; no homozygotes.

Submissions (3):

Ambry Genetics
Classification: Uncertain significance for Inborn genetic diseases. Last evaluated: 2023-11-15. Review status: criteria provided, single submitter. Criteria: Ambry Variant Classification Scheme 2023. Collection method: clinical testing. Allele origin: germline.

GeneDx
Classification: Uncertain significance. Last evaluated: 2023-06-25. Review status: criteria provided, single submitter. Criteria: GeneDx Variant Classification Process June 2021. Collection method: clinical testing. Allele origin: germline. Affected: yes.
Comment: In silico analysis supports that this missense variant does not alter protein structure/function; Has not been previously published as pathogenic or benign to our knowledge

Labcorp Genetics (formerly Invitae), Labcorp
Classification: Uncertain significance. Last evaluated: 2022-08-13. Review status: criteria provided, single submitter. Criteria: Invitae Variant Classification Sherloc (09022015). Collection method: clinical testing. Allele origin: germline.
Comment: This sequence change replaces threonine, which is neutral and polar, with methionine, which is neutral and non-polar, at codon 78 of the PLVAP protein (p.Thr78Met). This variant is present in population databases (rs757659466, gnomAD 0.006%). This variant has not been reported in the literature in individuals affected with PLVAP-related conditions. Algorithms developed to predict the effect of missense changes on protein structure and function are either unavailable or do not agree on the potential impact of this missense change (SIFT: "Deleterious"; PolyPhen-2: "Benign"; Align-GVGD: "Class C0"). In summary, the available evidence is currently insufficient to determine the role of this variant in disease. Therefore, it has been classified as a Variant of Uncertain Significance.